The following is an entry in ClinVar:

NM_015335.5(MED13L):c.4051C>T (p.Gln1351Ter)

Gene: MED13L (mediator complex subunit 13L; minus strand). Cytogenetic location: 12q24.21.
Variant type: single nucleotide variant.
Coding change: c.4051C>T on transcript NM_015335.5 (MANE Select); coding-DNA position 4051, C replaced by T.
Protein change: p.Gln1351Ter; replaces glutamine 1351 with a stop codon.
Molecular consequence: nonsense.
Genome position (GRCh38, 1-based): chr12:115,987,172, G>A on the plus strand (C>T on the coding strand, the complement: MED13L is on the minus strand). VCF-style: chr12-115987172-G-A. GRCh37 (hg19) VCF-style: chr12-116424977-G-A.
Other names: short protein forms Q1351*.
Identifiers: ClinVar variation 392058 (VCV000392058.3), dbSNP rs1057524341, ClinGen allele CA16607099.
Genomic context (GRCh38, chr12:115,987,172, plus strand): 5'-AGGTTCCCCGTCCTGCCATTTTATGGAACTGCTGCCAAGTGAGTGGTCCCTGCACATGCT[G>A]GATGTTCTCCCAGGTCCTGCCCGTGCGCTTCTTTTGGATGGCATCTTGGAGAAAGGGCTG-3'

ClinVar aggregate classification (germline): Pathogenic (1 of 4 stars; one submission).

Submission:

GeneDx
Classification: Pathogenic. Last evaluated: 2020-08-20. Review status: criteria provided, single submitter. Criteria: GeneDx Variant Classification Process June 2021. Collection method: clinical testing. Allele origin: germline. Affected: yes.
Comment: Nonsense variant predicted to result in protein truncation or nonsense mediated decay in a gene for which loss-of-function is a known mechanism of disease; Not observed in large population cohorts (Lek et al., 2016); Has not been previously published as pathogenic or benign to our knowledge